The following is an entry in ClinVar:

ClinVar aggregate classification (germline): Uncertain significance. Review status: criteria provided, multiple submitters, no conflicts (2 of 4 stars). 2 submissions from 2 submitters: Uncertain significance (2). Last evaluated 2025-06-18.

Conditions:
Inborn genetic diseases. Identifiers: MedGen C0950123, MeSH D030342.
Syndromic multisystem autoimmune disease due to ITCH deficiency. Also called: AUTOIMMUNE DISEASE, MULTISYSTEM, WITH FACIAL DYSMORPHISM. Identifiers: Orphanet 228426, MedGen C3150649, MONDO:0013245, OMIM 613385.

Allele frequency attached by ClinVar (database versions not stated): TOPMed below 0.00001; gnomAD 0.00001; ExAC 0.00002; gnomAD exomes 0.00002.

Submissions (2):

Ambry Genetics
Classification: Uncertain significance for Inborn genetic diseases. Last evaluated: 2025-06-18. Review status: criteria provided, single submitter. Criteria: Ambry Variant Classification Scheme 2023. Collection method: clinical testing. Allele origin: germline.

Labcorp Genetics (formerly Invitae), Labcorp
Classification: Uncertain significance for Syndromic multisystem autoimmune disease due to ITCH deficiency. Last evaluated: 2022-11-01. Review status: criteria provided, single submitter. Criteria: Invitae Variant Classification Sherloc (09022015). Collection method: clinical testing. Allele origin: germline.
Comment: This sequence change replaces aspartic acid, which is acidic and polar, with asparagine, which is neutral and polar, at codon 140 of the ITCH protein (p.Asp140Asn). ClinVar contains an entry for this variant (Variation ID: 1466551). This variant has not been reported in the literature in individuals affected with ITCH-related conditions. This variant is present in population databases (rs759868750, gnomAD 0.01%). Algorithms developed to predict the effect of missense changes on protein structure and function are either unavailable or do not agree on the potential impact of this missense change (SIFT: "Not Available"; PolyPhen-2: "Benign"; Align-GVGD: "Not Available"). In summary, the available evidence is currently insufficient to determine the role of this variant in disease. Therefore, it has been classified as a Variant of Uncertain Significance.

NM_031483.7(ITCH):c.418G>A (p.Asp140Asn)

Gene: ITCH (itchy E3 ubiquitin protein ligase; plus strand). Cytogenetic location: 20q11.22.
Variant type: single nucleotide variant.
Coding change: c.418G>A on transcript NM_031483.7 (MANE Select); coding-DNA position 418, G replaced by A.
Protein change: p.Asp140Asn; replaces aspartic acid 140 with asparagine.
Molecular consequence: missense variant.
Genome position (GRCh38, 1-based): chr20:34,413,822, G>A. VCF-style: chr20-34413822-G-A. GRCh37 (hg19) VCF-style: chr20-33001628-G-A.
Other names: c.418G>A, p.Asp140Asn (NM_001257137.3, NM_001324197.2, NM_001324198.2); c.88G>A, p.Asp30Asn (NM_001257138.3); c.418G>A (NM_031483.4); short protein forms D140N, D30N.
Identifiers: ClinVar variation 1466551 (VCV001466551.8), dbSNP rs759868750, ClinGen allele CA9821301.